The following is an entry in ClinVar:

ClinVar aggregate classification (germline): Pathogenic. Review status: criteria provided, single submitter (1 of 4 stars). 2 submissions from 2 submitters: Pathogenic (1). 1 of the submissions does not count toward it. Last evaluated 2025-09-03.

Conditions:
Neuromuscular disease caused by qualitative or quantitative defects of dysferlin. Also called: Dysferlinopathy; Qualitative or quantitative defects of dysferlin. Identifiers: Orphanet 207073, MedGen C2931687, MONDO:0016145.

Submissions (2):

Labcorp Genetics (formerly Invitae), Labcorp
Classification: Pathogenic for Neuromuscular disease caused by qualitative or quantitative defects of dysferlin. Last evaluated: 2025-09-03. Review status: criteria provided, single submitter. Criteria: Invitae Variant Classification Sherloc (09022015). Collection method: clinical testing. Allele origin: germline.
Comment: This sequence change creates a premature translational stop signal (p.Ile2048Serfs*26) in the DYSF gene. While this is not anticipated to result in nonsense mediated decay, it is expected to disrupt the last 33 amino acid(s) of the DYSF protein. This variant is not present in population databases (gnomAD no frequency). This premature translational stop signal has been observed in individual(s) with dysferlinopathy (PMID: 33613410). ClinVar contains an entry for this variant (Variation ID: 869489). This variant disrupts a region of the DYSF protein in which other variant(s) (p.Ala2066Thr) have been determined to be pathogenic (PMID: 27066573, 32528171). This suggests that this is a clinically significant region of the protein, and that variants that disrupt it are likely to be disease-causing. For these reasons, this variant has been classified as Pathogenic.

Department of Neurology, Guangzhou First People’s Hospital, School of Medicine, South China University of Technology
Classification: Pathogenic. Last evaluated: 2019-07-01. Review status: no assertion criteria provided. Collection method: reference population. Allele origin: maternal. Affected: yes. Not counted in ClinVar's aggregate classification.

Literature cited by the submitters: PubMed 33613410 (cited by Labcorp Genetics (formerly Invitae), Labcorp); PubMed 27066573 (cited by Labcorp Genetics (formerly Invitae), Labcorp); PubMed 32528171 (cited by Labcorp Genetics (formerly Invitae), Labcorp).

NM_001130987.2(DYSF):c.6258del (p.Ile2087fs)

Gene: DYSF (dysferlin; plus strand). Cytogenetic location: 2p13.2.
Variant type: Deletion.
Coding change: c.6258del on transcript NM_001130987.2 (MANE Select); coding-DNA position 6258, one base deleted (C; older notation c.6258delC).
Protein change: p.Ile2087fs; shifts the reading frame from isoleucine 2087.
Molecular consequence: frameshift variant.
Genome position (GRCh38, 1-based): chr2:71,682,614, C deleted. VCF-style (leftmost placement, unchanged base first): chr2-71682613-TC-T. GRCh37 (hg19) VCF-style: chr2-71909743-TC-T.
Other names: c.6144del, p.Ile2049fs (NM_001130455.2); c.6099del, p.Ile2034fs (NM_001130976.2); c.6162del, p.Ile2055fs (NM_001130977.2); c.6204del, p.Ile2069fs (NM_001130978.2); c.6234del, p.Ile2079fs (NM_001130979.2); c.6192del, p.Ile2065fs (NM_001130980.2); c.6255del, p.Ile2086fs (NM_001130981.2); c.6237del, p.Ile2080fs (NM_001130982.2); and 5 more; short protein forms I2049fs, I2066fs, I2069fs, I2079fs, I2087fs, I2035fs, I2048fs, I2056fs.
Identifiers: ClinVar variation 869489 (VCV000869489.2), dbSNP rs767150484, ClinGen allele CA49776698.
Genomic context (GRCh38, chr2:71,682,613, plus strand): 5'-GGTTTACCTCCCCATACAAGACCATGAAGTTCATCCTGTGGCGGCGTTTCCGGTGGGCCA[TC>T]ATCCTCTTCATCATCCTCTTCATCCTGCTGCTGTTCCTGGCCATCTTCATCTACGCCTTC-3'